The following is an entry in ClinVar:

ClinVar aggregate classification (germline): Uncertain significance (1 of 4 stars; one submission).

Conditions:
Adams-Oliver syndrome 5 (AOS5). Identifiers: Orphanet 974, MedGen C4014970, MONDO:0014459, OMIM 616028.

Submission:

Labcorp Genetics (formerly Invitae), Labcorp
Classification: Uncertain significance for Adams-Oliver syndrome 5. Last evaluated: 2025-03-30. Review status: criteria provided, single submitter. Criteria: Invitae Variant Classification Sherloc (09022015). Collection method: clinical testing. Allele origin: germline.
Comment: This sequence change replaces threonine, which is neutral and polar, with proline, which is neutral and non-polar, at codon 2455 of the NOTCH1 protein (p.Thr2455Pro). This variant is not present in population databases (gnomAD no frequency). This variant has not been reported in the literature in individuals affected with NOTCH1-related conditions. Invitae Evidence Modeling of protein sequence and biophysical properties (such as structural, functional, and spatial information, amino acid conservation, physicochemical variation, residue mobility, and thermodynamic stability) indicates that this missense variant is not expected to disrupt NOTCH1 protein function with a negative predictive value of 95%. In summary, the available evidence is currently insufficient to determine the role of this variant in disease. Therefore, it has been classified as a Variant of Uncertain Significance.

NM_017617.5(NOTCH1):c.7363A>C (p.Thr2455Pro)

Gene: NOTCH1 (notch receptor 1; minus strand). Cytogenetic location: 9q34.3.
Variant type: single nucleotide variant.
Coding change: c.7363A>C on transcript NM_017617.5 (MANE Select); coding-DNA position 7363, A replaced by C.
Protein change: p.Thr2455Pro; replaces threonine 2455 with proline.
Molecular consequence: missense variant.
Genome position (GRCh38, 1-based): chr9:136,496,376, T>G on the plus strand (A>C on the coding strand, the complement: NOTCH1 is on the minus strand). VCF-style: chr9-136496376-T-G. GRCh37 (hg19) VCF-style: chr9-139390828-T-G.
Other names: short protein forms T2455P.
Identifiers: ClinVar variation 4772788 (VCV004772788.1).
Genomic context (GRCh38, chr9:136,496,376, plus strand): 5'-GTGGGACCAGCGAGGATGGCAGCGACGTGGGCAGGGCGGGGCTCTCCTGGGGCAGAATAG[T>G]GTGCACCGCCAGGCTGCTGGGGCCCAGTGGCTGCACGTCTGCCTGGCTCGGCTCTCCACT-3'
Protein context (NP_060087.3, residues 2445-2465): PLGPSSLAVH[Thr2455Pro]ILPQESPALP